The following is an entry in ClinVar:

NM_024301.5(FKRP):c.-252-125G>A

Gene: FKRP (fukutin related protein; plus strand). Cytogenetic location: 19q13.32.
Variant type: single nucleotide variant.
Coding change: c.-252-125G>A on transcript NM_024301.5 (MANE Select); 125 bases into the intron before 252 bases upstream of the start codon, G replaced by A.
Molecular consequence: intron variant.
Genome position (GRCh38, 1-based): chr19:46,747,902, G>A. VCF-style: chr19-46747902-G-A. GRCh37 (hg19) VCF-style: chr19-47251159-G-A.
Other names: c.-304-125G>A (NM_001039885.3).
Identifiers: ClinVar variation 1691151 (VCV001691151.2), dbSNP rs116768910, ClinGen allele CA309094315.

ClinVar aggregate classification (germline): Likely benign (1 of 4 stars; one submission).

Allele frequency attached by ClinVar (database versions not stated): gnomAD 0.00378 and 0.00394; TOPMed 0.00424; 1000 Genomes Project 0.00559; 1000 Genomes Project 30x 0.00656.

Submission:

GeneDx
Classification: Likely benign. Last evaluated: 2021-12-01. Review status: criteria provided, single submitter. Criteria: GeneDx Variant Classification Process June 2021. Collection method: clinical testing. Allele origin: germline. Affected: yes.
Comment: See Variant Classification Assertion Criteria.